The following is an entry in ClinVar:

ClinVar aggregate classification (germline): Likely benign. Review status: criteria provided, multiple submitters, no conflicts (2 of 4 stars). 3 submissions from 3 submitters: Likely benign (3). Last evaluated 2025-12-29.

Conditions:
2-aminoadipic 2-oxoadipic aciduria (AAKAD). Also called: ALPHA-AMINOADIPIC AND ALPHA-KETOADIPIC ACIDURIA; Aminoadipic aciduria. Identifiers: Orphanet 79154, MedGen C1859817, MONDO:0008774, OMIM 204750.

Allele frequency attached by ClinVar (database versions not stated): gnomAD 0.00003 and 0.00004; gnomAD exomes 0.00004 and 0.00005; ExAC 0.00006; TOPMed 0.00006; ESP Exome Variant Server 0.00015.
gnomAD v4.1: 75 of 1,611,244 alleles (0.0047%); highest among the groups gnomAD compares: Non-Finnish European, 0.0061%; no homozygotes.

Submissions (3):

Labcorp Genetics (formerly Invitae), Labcorp
Classification: Likely benign for 2-aminoadipic 2-oxoadipic aciduria. Last evaluated: 2025-12-29. Review status: criteria provided, single submitter. Criteria: Invitae Variant Classification Sherloc (09022015). Collection method: clinical testing. Allele origin: germline.

Women's Health and Genetics/Laboratory Corporation of America, LabCorp
Classification: Likely benign. Last evaluated: 2025-09-04. Review status: criteria provided, single submitter. Criteria: LabCorp Variant Classification Summary - May 2015. Collection method: clinical testing. Allele origin: germline.

CeGaT Center for Human Genetics Tuebingen
Classification: Likely benign. Last evaluated: 2022-09-01. Review status: criteria provided, single submitter. Criteria: CeGaT Center For Human Genetics Tuebingen Variant Classification Criteria Version 2. Collection method: clinical testing. Allele origin: germline. Affected: yes. Observed: 1 variant allele.
Comment: DHTKD1: BP4, BP7

NM_018706.7(DHTKD1):c.1650C>T (p.His550=)

Gene: DHTKD1 (dehydrogenase E1 and transketolase domain containing 1; plus strand). Cytogenetic location: 10p14.
Variant type: single nucleotide variant.
Coding change: c.1650C>T on transcript NM_018706.7 (MANE Select); coding-DNA position 1650, C replaced by T.
Protein change: p.His550=; no amino-acid change (histidine 550 retained).
Molecular consequence: synonymous variant.
Genome position (GRCh38, 1-based): chr10:12,097,975, C>T. VCF-style: chr10-12097975-C-T. GRCh37 (hg19) VCF-style: chr10-12139974-C-T.
Identifiers: ClinVar variation 1584257 (VCV001584257.32), dbSNP rs375209596, ClinGen allele CA5407903.